The following is an entry in ClinVar:

ClinVar aggregate classification (germline): Uncertain significance. Review status: criteria provided, multiple submitters, no conflicts (2 of 4 stars). 2 submissions from 2 submitters: Uncertain significance (2). Last evaluated 2023-11-25.

Conditions:
Muscle AMP deaminase deficiency (MMDD). Also called: Myoadenylate deaminase deficiency, myopathy due to; ADENOSINE MONOPHOSPHATE DEAMINASE-1 DEFICIENCY, MYOPATHY DUE TO; AMPD1 DEFICIENCY; Adenosine monophosphate deaminase 1 deficiency; AMP deaminase 1 deficiency; Adenosine Monophosphate Deaminase 1. Identifiers: Orphanet 45, MedGen C3714933, MONDO:0014220, OMIM 615511.

Allele frequency attached by ClinVar (database versions not stated): ExAC 0.00010; ESP Exome Variant Server 0.00038; 1000 Genomes Project 0.00060; 1000 Genomes Project 30x 0.00078.
gnomAD v4.1: 44 of 1,614,112 alleles (0.0027%); highest among the groups gnomAD compares: African/African-American, 0.052%; no homozygotes.

Submissions (2):

Labcorp Genetics (formerly Invitae), Labcorp
Classification: Uncertain significance for Muscle AMP deaminase deficiency. Last evaluated: 2023-11-25. Review status: criteria provided, single submitter. Criteria: Invitae Variant Classification Sherloc (09022015). Collection method: clinical testing. Allele origin: germline.
Comment: This sequence change replaces arginine, which is basic and polar, with histidine, which is basic and polar, at codon 761 of the AMPD1 protein (p.Arg761His). This variant is present in population databases (rs142643298, gnomAD 0.06%). This variant has not been reported in the literature in individuals affected with AMPD1-related conditions. ClinVar contains an entry for this variant (Variation ID: 2139645). An algorithm developed to predict the effect of missense changes on protein structure and function (PolyPhen-2) suggests that this variant is likely to be disruptive. In summary, the available evidence is currently insufficient to determine the role of this variant in disease. Therefore, it has been classified as a Variant of Uncertain Significance.

Revvity Omics, Revvity
Classification: Uncertain significance for Muscle AMP deaminase deficiency. Last evaluated: 2019-06-17. Review status: criteria provided, single submitter. Criteria: ACMG Guidelines, 2015. Collection method: clinical testing. Allele origin: germline.

NM_000036.3(AMPD1):c.2183G>A (p.Arg728His)

Gene: AMPD1 (adenosine monophosphate deaminase 1; minus strand). Cytogenetic location: 1p13.2.
Variant type: single nucleotide variant.
Coding change: c.2183G>A on transcript NM_000036.3 (MANE Select); coding-DNA position 2183, G replaced by A.
Protein change: p.Arg728His; replaces arginine 728 with histidine.
Molecular consequence: missense variant.
Genome position (GRCh38, 1-based): chr1:114,673,175, C>T on the plus strand (G>A on the coding strand, the complement: AMPD1 is on the minus strand). VCF-style: chr1-114673175-C-T. GRCh37 (hg19) VCF-style: chr1-115215796-C-T.
Other names: c.2171G>A, p.Arg724His (NM_001172626.2); c.2282G>A (NM_000036.2); short protein forms R724H, R728H.
Identifiers: ClinVar variation 2139645 (VCV002139645.5), dbSNP rs142643298, ClinGen allele CA1019907.